The following is an entry in ClinVar:

NM_004446.3(EPRS1):c.2425G>A (p.Gly809Arg)

Gene: EPRS1 (glutamyl-prolyl-tRNA synthetase 1; minus strand). Cytogenetic location: 1q41.
Variant type: single nucleotide variant.
Coding change: c.2425G>A on transcript NM_004446.3 (MANE Select); coding-DNA position 2425, G replaced by A.
Protein change: p.Gly809Arg; replaces glycine 809 with arginine.
Molecular consequence: missense variant.
Genome position (GRCh38, 1-based): chr1:219,997,099, C>T on the plus strand (G>A on the coding strand, the complement: EPRS1 is on the minus strand). VCF-style: chr1-219997099-C-T. GRCh37 (hg19) VCF-style: chr1-220170441-C-T.
Other names: short protein forms G809R.
Identifiers: ClinVar variation 1680947 (VCV001680947.8), dbSNP rs2102574194, ClinGen allele CA344646828.

ClinVar aggregate classification (germline): Uncertain significance (1 of 4 stars; one submission).

gnomAD v4.1: 2 of 1,614,074 alleles (0.00012%); highest among the groups gnomAD compares: Admixed American, 0.0033%; no homozygotes.

Submission:

Labcorp Genetics (formerly Invitae), Labcorp
Classification: Uncertain significance. Last evaluated: 2022-01-11. Review status: criteria provided, single submitter. Criteria: Invitae Variant Classification Sherloc (09022015). Collection method: clinical testing. Allele origin: germline.
Comment: In summary, the available evidence is currently insufficient to determine the role of this variant in disease. Therefore, it has been classified as a Variant of Uncertain Significance. Algorithms developed to predict the effect of missense changes on protein structure and function (SIFT, PolyPhen-2, Align-GVGD) all suggest that this variant is likely to be tolerated. This variant has not been reported in the literature in individuals affected with EPRS-related conditions. This variant is not present in population databases (gnomAD no frequency). This sequence change replaces glycine, which is neutral and non-polar, with arginine, which is basic and polar, at codon 809 of the EPRS protein (p.Gly809Arg).